The following is an entry in ClinVar:

ClinVar aggregate classification (germline): Uncertain significance (1 of 4 stars; one submission).

Conditions:
Arrhythmogenic right ventricular dysplasia 13. Also called: Arrhythmogenic right ventricular dysplasia, familial, 13; ARRHYTHMOGENIC RIGHT VENTRICULAR CARDIOMYOPATHY 13. Identifiers: MedGen C3810138, MONDO:0000908, OMIM 615616.

Submission:

Labcorp Genetics (formerly Invitae), Labcorp
Classification: Uncertain significance for Arrhythmogenic right ventricular dysplasia 13. Last evaluated: 2024-05-27. Review status: criteria provided, single submitter. Criteria: Invitae Variant Classification Sherloc (09022015). Collection method: clinical testing. Allele origin: germline.
Comment: This sequence change replaces arginine, which is basic and polar, with valine, which is neutral and non-polar, at codon 834 of the CTNNA3 protein (p.Arg834Val). The frequency data for this variant in the population databases is considered unreliable, as metrics indicate poor data quality at this position in the gnomAD database. This variant has not been reported in the literature in individuals affected with CTNNA3-related conditions. Experimental studies and prediction algorithms are not available or were not evaluated, and the functional significance of this variant is currently unknown. In summary, the available evidence is currently insufficient to determine the role of this variant in disease. Therefore, it has been classified as a Variant of Uncertain Significance.

NM_013266.4(CTNNA3):c.2500_2501delinsGT (p.Arg834Val)

Gene: CTNNA3 (catenin alpha 3; minus strand). Cytogenetic location: 10q21.3.
Variant type: Indel.
Coding change: c.2500_2501delinsGT on transcript NM_013266.4 (MANE Select); coding-DNA positions 2500 to 2501, CG replaced by GT.
Protein change: p.Arg834Val; replaces arginine 834 with valine.
Molecular consequence: missense variant.
Genome position (GRCh38, 1-based): chr10:65,920,517-65,920,518, CG replaced by AC on the plus strand (CG replaced by GT on the coding strand, the reverse complement: CTNNA3 is on the minus strand). VCF-style: chr10-65920517-CG-AC. GRCh37 (hg19) VCF-style: chr10-67680275-CG-AC.
Other names: c.2500_2501delinsGT, p.Arg834Val (NM_001127384.3); short protein forms R834V.
Identifiers: ClinVar variation 3625906 (VCV003625906.2).